The following is an entry in ClinVar:

NM_152269.5(MTRFR):c.347T>G (p.Val116Gly)

Gene: MTRFR (mitochondrial translation release factor in rescue; plus strand). Cytogenetic location: 12q24.31.
Variant type: single nucleotide variant.
Coding change: c.347T>G on transcript NM_152269.5 (MANE Select); coding-DNA position 347, T replaced by G.
Protein change: p.Val116Gly; replaces valine 116 with glycine.
Molecular consequence: missense variant.
Genome position (GRCh38, 1-based): chr12:123,256,877, T>G. VCF-style: chr12-123256877-T-G. GRCh37 (hg19) VCF-style: chr12-123741424-T-G.
Other names: c.347T>G, p.Val116Gly (NM_001143905.2, NM_001194995.1); short protein forms V116G.
Identifiers: ClinVar variation 2026403 (VCV002026403.4), dbSNP rs374464556, ClinGen allele CA6856590.

ClinVar aggregate classification (germline): Uncertain significance (1 of 4 stars; one submission).

Conditions:
Spastic paraplegia. Identifiers: MedGen C0037772, HP:0001258.
Combined oxidative phosphorylation defect type 7. Identifiers: Orphanet 254930, MedGen C3150801, MONDO:0013306, OMIM 613559.

gnomAD v4.1: 1 of 1,613,796 alleles (0.000062%); highest among the groups gnomAD compares: South Asian, 0.0011%; no homozygotes.

Submission:

Labcorp Genetics (formerly Invitae), Labcorp
Classification: Uncertain significance for Combined oxidative phosphorylation defect type 7; Spastic paraplegia. Last evaluated: 2023-07-17. Review status: criteria provided, single submitter. Criteria: Invitae Variant Classification Sherloc (09022015). Collection method: clinical testing. Allele origin: germline.
Comment: In summary, the available evidence is currently insufficient to determine the role of this variant in disease. Therefore, it has been classified as a Variant of Uncertain Significance. An algorithm developed to predict the effect of missense changes on protein structure and function (PolyPhen-2) suggests that this variant is likely to be disruptive. ClinVar contains an entry for this variant (Variation ID: 2026403). This variant has not been reported in the literature in individuals affected with C12orf65-related conditions. This variant is present in population databases (rs374464556, gnomAD 0.003%). This sequence change replaces valine, which is neutral and non-polar, with glycine, which is neutral and non-polar, at codon 116 of the C12orf65 protein (p.Val116Gly).